The following is an entry in ClinVar:

NM_006767.4(LZTR1):c.509_509+5del

Gene: LZTR1 (leucine zipper like post translational regulator 1; plus strand). Cytogenetic location: 22q11.21.
Variant type: Deletion.
Coding change: c.509_509+5del on transcript NM_006767.4 (MANE Select); coding-DNA position 509 through 5 bases into the intron after coding-DNA position 509, 6 bases deleted (GGTGAG; older notation c.509_509+5delGGTGAG).
Molecular consequence: splice donor variant.
Genome position (GRCh38, 1-based): chr22:20,988,118-20,988,123, GGTGAG deleted. VCF-style (leftmost placement, unchanged base first): chr22-20988117-CGGTGAG-C. GRCh37 (hg19) VCF-style: chr22-21342406-CGGTGAG-C.
Identifiers: ClinVar variation 4718379 (VCV004718379.1).

ClinVar aggregate classification (germline): Likely pathogenic (1 of 4 stars; one submission).

Submission:

Labcorp Genetics (formerly Invitae), Labcorp
Classification: Likely pathogenic. Last evaluated: 2025-04-27. Review status: criteria provided, single submitter. Criteria: Invitae Variant Classification Sherloc (09022015). Collection method: clinical testing. Allele origin: germline.
Comment: This variant results in the deletion of part of exon 5 (c.509_509+5del) of the LZTR1 gene. It is expected to disrupt RNA splicing. Variants that disrupt the donor or acceptor splice site typically lead to a loss of protein function (PMID: 16199547), and loss-of-function variants in LZTR1 are known to be pathogenic (PMID: 24362817, 25335493, 25480913, 25795793, 29469822, 30368668, 30442762, 30442766, 30481304, 30859559). This variant is not present in population databases (gnomAD no frequency). This variant has not been reported in the literature in individuals affected with LZTR1-related conditions. Algorithms developed to predict the effect of sequence changes on RNA splicing suggest that this variant may disrupt the consensus splice site. In summary, the currently available evidence indicates that the variant is pathogenic, but additional data are needed to prove that conclusively. Therefore, this variant has been classified as Likely Pathogenic.

Literature cited by the submitters: PubMed 16199547; PubMed 24362817; PubMed 25335493; PubMed 25480913; PubMed 25795793; PubMed 29469822; PubMed 30368668; PubMed 30442762; PubMed 30442766; PubMed 30481304; PubMed 30859559.